The following is an entry in ClinVar:

ClinVar aggregate classification (germline): Conflicting classifications of pathogenicity. Review status: criteria provided, conflicting classifications (1 of 4 stars). 2 submissions from 2 submitters: Uncertain significance (1); Likely benign (1). Last evaluated 2024-11-05.

Conditions:
Inborn genetic diseases. Identifiers: MedGen C0950123, MeSH D030342.

Allele frequency attached by ClinVar (database versions not stated): ExAC 0.00001; gnomAD exomes 0.00002; TOPMed 0.00002.
gnomAD v4.1: 31 of 1,614,108 alleles (0.0019%); highest among the groups gnomAD compares: South Asian, 0.0055%; no homozygotes.

Submissions (2):

Labcorp Genetics (formerly Invitae), Labcorp
Classification: Uncertain significance. Last evaluated: 2024-11-05. Review status: criteria provided, single submitter. Criteria: Invitae Variant Classification Sherloc (09022015). Collection method: clinical testing. Allele origin: germline.
Comment: This sequence change replaces valine, which is neutral and non-polar, with methionine, which is neutral and non-polar, at codon 475 of the ITGB4 protein (p.Val475Met). This variant is present in population databases (rs766765538, gnomAD 0.003%). This variant has not been reported in the literature in individuals affected with ITGB4-related conditions. ClinVar contains an entry for this variant (Variation ID: 1900017). Invitae Evidence Modeling of protein sequence and biophysical properties (such as structural, functional, and spatial information, amino acid conservation, physicochemical variation, residue mobility, and thermodynamic stability) indicates that this missense variant is not expected to disrupt ITGB4 protein function with a negative predictive value of 80%. In summary, the available evidence is currently insufficient to determine the role of this variant in disease. Therefore, it has been classified as a Variant of Uncertain Significance.

Ambry Genetics
Classification: Likely benign for Inborn genetic diseases. Last evaluated: 2021-10-22. Review status: criteria provided, single submitter. Criteria: Ambry Variant Classification Scheme 2023. Collection method: clinical testing. Allele origin: germline.

NM_000213.5(ITGB4):c.1423G>A (p.Val475Met)

Gene: ITGB4 (integrin subunit beta 4; plus strand). Cytogenetic location: 17q25.1.
Variant type: single nucleotide variant.
Coding change: c.1423G>A on transcript NM_000213.5 (MANE Select); coding-DNA position 1423, G replaced by A.
Protein change: p.Val475Met; replaces valine 475 with methionine.
Molecular consequence: missense variant.
Genome position (GRCh38, 1-based): chr17:75,732,208, G>A. VCF-style: chr17-75732208-G-A. GRCh37 (hg19) VCF-style: chr17-73728289-G-A.
Other names: c.1423G>A, p.Val475Met (NM_001005619.2, NM_001005731.3, NM_001321123.2); short protein forms V475M.
Identifiers: ClinVar variation 1900017 (VCV001900017.5), dbSNP rs766765538, ClinGen allele CA8769016.
Genomic context (GRCh38, chr17:75,732,208, plus strand): 5'-TCTCTCTCATTCCAGCAAAAAGAGGTGCGGTCAGCTCGCTGCAGCTTCAACGGAGACTTC[G>A]TGTGCGGACAGTGTGTGTGCAGCGAGGGCTGGTGAGTGGGGAAGGGAGTTGGGCACCCAG-3'
Protein context (NP_000204.3, residues 465-485): SARCSFNGDF[Val475Met]CGQCVCSEGW